The following is an entry in ClinVar:

NM_001374736.1(DST):c.4464G>T (p.Gln1488His)

Gene: DST (dystonin; minus strand). Cytogenetic location: 6p12.1.
Variant type: single nucleotide variant.
Coding change: c.4464G>T on transcript NM_001374736.1 (MANE Select); coding-DNA position 4464, G replaced by T.
Protein change: p.Gln1488His; replaces glutamine 1488 with histidine.
Molecular consequence: missense variant.
Genome position (GRCh38, 1-based): chr6:56,629,261, C>A on the plus strand (G>T on the coding strand, the complement: DST is on the minus strand). VCF-style: chr6-56629261-C-A. GRCh37 (hg19) VCF-style: chr6-56494059-C-A.
Other names: c.4365G>T, p.Gln1455His (NM_001144769.5); c.3951G>T, p.Gln1317His (NM_001144770.2); c.4464G>T, p.Gln1488His (NM_001374722.1); c.3831G>T, p.Gln1277His (NM_001374729.1, NM_001374730.1, NM_001386100.1 and 1 more transcripts); c.4491G>T, p.Gln1497His (NM_001374734.1); c.2853G>T, p.Gln951His (NM_001723.7, NM_015548.5); short protein forms Q1277H, Q1317H, Q1455H, Q1488H, Q1497H, Q951H.
Identifiers: ClinVar variation 1061576 (VCV001061576.9), dbSNP rs554214573, ClinGen allele CA3870905.

ClinVar aggregate classification (germline): Uncertain significance (1 of 4 stars; one submission).

Conditions:
Hereditary sensory and autonomic neuropathy type 6. Also called: HSAN VI; Neuropathy, hereditary sensory and autonomic, type VI. Identifiers: Orphanet 314381, MedGen C3539003, MONDO:0013839, OMIM 614653.
Epidermolysis bullosa simplex 3, localized or generalized intermediate, with BP230 deficiency (EBS3). Also called: Epidermolysis bullosa simplex due to BP230 deficiency; Epidermolysis bullosa simplex, autosomal recessive 2. Identifiers: Orphanet 412181, MedGen C3809470, MONDO:0014180, OMIM 615425.

Allele frequency attached by ClinVar (database versions not stated): gnomAD 0.00002; gnomAD exomes 0.00003 and 0.00006; ExAC 0.00007; 1000 Genomes Project 0.00040; 1000 Genomes Project 30x 0.00047.
gnomAD v4.1: 52 of 1,613,672 alleles (0.0032%); highest among the groups gnomAD compares: South Asian, 0.057%; no homozygotes.

Submission:

Labcorp Genetics (formerly Invitae), Labcorp
Classification: Uncertain significance for Epidermolysis bullosa simplex 3, localized or generalized intermediate, with BP230 deficiency; Hereditary sensory and autonomic neuropathy type 6. Last evaluated: 2022-07-18. Review status: criteria provided, single submitter. Criteria: Invitae Variant Classification Sherloc (09022015). Collection method: clinical testing. Allele origin: germline.
Comment: In summary, the available evidence is currently insufficient to determine the role of this variant in disease. Therefore, it has been classified as a Variant of Uncertain Significance. Algorithms developed to predict the effect of missense changes on protein structure and function are either unavailable or do not agree on the potential impact of this missense change (SIFT: "Deleterious"; PolyPhen-2: "Probably Damaging"; Align-GVGD: "Class C15"). ClinVar contains an entry for this variant (Variation ID: 1061576). This variant has not been reported in the literature in individuals affected with DST-related conditions. This variant is present in population databases (rs554214573, gnomAD 0.05%). This sequence change replaces glutamine, which is neutral and polar, with histidine, which is basic and polar, at codon 951 of the DST protein (p.Gln951His).